The following is an entry in ClinVar:

NM_013382.7(POMT2):c.1743G>A (p.Gly581=)

Gene: POMT2 (protein O-mannosyltransferase 2; minus strand). Cytogenetic location: 14q24.3.
Variant type: single nucleotide variant.
Coding change: c.1743G>A on transcript NM_013382.7 (MANE Select); coding-DNA position 1743, G replaced by A.
Protein change: p.Gly581=; no amino-acid change (glycine 581 retained).
Molecular consequence: synonymous variant.
Genome position (GRCh38, 1-based): chr14:77,280,063, C>T on the plus strand (G>A on the coding strand, the complement: POMT2 is on the minus strand). VCF-style: chr14-77280063-C-T. GRCh37 (hg19) VCF-style: chr14-77746406-C-T.
Identifiers: ClinVar variation 282504 (VCV000282504.33), dbSNP rs755254043, ClinGen allele CA7285724.
Genomic context (GRCh38, chr14:77,280,063, plus strand): 5'-GAATGTTTAGGCACTCACCGGGTTGCCAAGCAGATAGACTCGGAAATCTGTGTCATTGAC[C>T]CCTGAGAAGCGTAGGCCCTGTGGAATAGAGACCACCCTGCTGACCCAGGCCCAGCCCATC-3'
Protein context (NP_037514.2, residues 571-591): PINYQGLRFS[Gly581=]VNDTDFRVYL

ClinVar aggregate classification (germline): Conflicting classifications of pathogenicity. Review status: criteria provided, conflicting classifications (1 of 4 stars). 5 submissions from 5 submitters: Uncertain significance (1); Likely benign (4). Last evaluated 2026-01-27.

Conditions:
Muscular dystrophy-dystroglycanopathy (congenital with brain and eye anomalies), type A2. Also called: WALKER-WARBURG SYNDROME OR MUSCLE-EYE-BRAIN DISEASE, POMT2-RELATED; MUSCULAR DYSTROPHY-DYSTROGLYCANOPATHY (CONGENITAL WITH BRAIN AND EYE ANOMALIES), TYPE A, 2. Identifiers: Orphanet 588, Orphanet 899, MedGen C3150411, MONDO:0013154, OMIM 613150.
Muscular dystrophy-dystroglycanopathy (congenital with impaired intellectual development), type B, 2. Also called: Muscular dystrophy-dystroglycanopathy (congenital with intellectual disability), type B2; MUSCULAR DYSTROPHY, CONGENITAL, POMT2-RELATED. Identifiers: MedGen C3150416, MONDO:0013160, OMIM 613156.
Autosomal recessive limb-girdle muscular dystrophy type 2N. Also called: MUSCULAR DYSTROPHY-DYSTROGLYCANOPATHY, LIMB-GIRDLE, POMT2-RELATED; Muscular dystrophy-dystroglycanopathy (limb-girdle), type C, 2. Identifiers: Orphanet 206559, MedGen C3150418, MONDO:0013162, OMIM 613158.

Allele frequency attached by ClinVar (database versions not stated): TOPMed 0.00001; gnomAD exomes 0.00003; ExAC 0.00004.
gnomAD v4.1: 14 of 1,613,846 alleles (0.00087%); highest among the groups gnomAD compares: Non-Finnish European, 0.0012%; no homozygotes.

Submissions (5):

Labcorp Genetics (formerly Invitae), Labcorp
Classification: Likely benign for Muscular dystrophy-dystroglycanopathy (congenital with impaired intellectual development), type B, 2; Muscular dystrophy-dystroglycanopathy (congenital with brain and eye anomalies), type A2; Autosomal recessive limb-girdle muscular dystrophy type 2N. Last evaluated: 2026-01-27. Review status: criteria provided, single submitter. Criteria: Invitae Variant Classification Sherloc (09022015). Collection method: clinical testing. Allele origin: germline.

Blueprint Genetics
Classification: Likely benign. Last evaluated: 2024-08-23. Review status: criteria provided, single submitter. Criteria: ACMG Guidelines, 2015. Collection method: clinical testing. Allele origin: germline.

CeGaT Center for Human Genetics Tuebingen
Classification: Likely benign. Last evaluated: 2022-10-01. Review status: criteria provided, single submitter. Criteria: CeGaT Center For Human Genetics Tuebingen Variant Classification Criteria Version 2. Collection method: clinical testing. Allele origin: germline. Affected: yes. Observed: 1 variant allele.
Comment: POMT2: BP4, BP7

GeneDx
Classification: Likely benign. Last evaluated: 2017-04-20. Review status: criteria provided, single submitter. Criteria: GeneDx Variant Classification (06012015). Collection method: clinical testing. Allele origin: germline. Affected: yes.
Comment: This variant is considered likely benign or benign based on one or more of the following criteria: it is a conservative change, it occurs at a poorly conserved position in the protein, it is predicted to be benign by multiple in silico algorithms, and/or has population frequency not consistent with disease.

Eurofins Ntd Llc (ga)
Classification: Uncertain significance. Last evaluated: 2015-08-28. Review status: criteria provided, single submitter. Criteria: EGL Classification Definitions 2015. Collection method: clinical testing. Allele origin: germline. Observed: 2 variant alleles, 2 homozygotes.